The following is an entry in ClinVar:

NM_000023.4(SGCA):c.584+16T>C

Gene: SGCA (sarcoglycan alpha; plus strand). Cytogenetic location: 17q21.33.
Variant type: single nucleotide variant.
Coding change: c.584+16T>C on transcript NM_000023.4 (MANE Select); 16 bases into the intron after coding-DNA position 584, T replaced by C.
Molecular consequence: intron variant.
Genome position (GRCh38, 1-based): chr17:50,168,588, T>C. VCF-style: chr17-50168588-T-C. GRCh37 (hg19) VCF-style: chr17-48245949-T-C.
Other names: c.584+16T>C (NM_001135697.3, LRG_203t1).
Identifiers: ClinVar variation 514032 (VCV000514032.4), dbSNP rs1054945327, ClinGen allele CA291536569.

ClinVar aggregate classification (germline): Likely benign. Review status: criteria provided, multiple submitters, no conflicts (2 of 4 stars). 2 submissions from 2 submitters: Likely benign (2). Last evaluated 2023-09-28.

Conditions:
Autosomal recessive limb-girdle muscular dystrophy type 2D (LGMDR3). Also called: MUSCULAR DYSTROPHY, LIMB-GIRDLE, AUTOSOMAL RECESSIVE 3; ADHALINOPATHY, PRIMARY; DUCHENNE-LIKE AUTOSOMAL RECESSIVE MUSCULAR DYSTROPHY, TYPE 2. Identifiers: Orphanet 62, MedGen C2936332, MONDO:0011968, OMIM 608099. Disease mechanism: Affects gamma-sarcoglycan and also disrupts the integrity of the entire sarcoglycan complex..

Allele frequency attached by ClinVar (database versions not stated): gnomAD exomes below 0.00001 and 0.00001; gnomAD 0.00001; TOPMed 0.00002.
gnomAD v4.1: 3 of 1,552,386 alleles (0.00019%); highest among the groups gnomAD compares: African/African-American, 0.0041%; no homozygotes.

Submissions (2):

Labcorp Genetics (formerly Invitae), Labcorp
Classification: Likely benign for Autosomal recessive limb-girdle muscular dystrophy type 2D. Last evaluated: 2023-09-28. Review status: criteria provided, single submitter. Criteria: Invitae Variant Classification Sherloc (09022015). Collection method: clinical testing. Allele origin: germline.

GeneDx
Classification: Likely benign. Last evaluated: 2017-12-11. Review status: criteria provided, single submitter. Criteria: GeneDx Variant Classification (06012015). Collection method: clinical testing. Allele origin: germline. Affected: yes.
Comment: This variant is considered likely benign or benign based on one or more of the following criteria: it is a conservative change, it occurs at a poorly conserved position in the protein, it is predicted to be benign by multiple in silico algorithms, and/or has population frequency not consistent with disease.